The following is an entry in ClinVar:

ClinVar aggregate classification (germline): Uncertain significance. Review status: criteria provided, single submitter (1 of 4 stars). 2 submissions from 1 submitter: Uncertain significance (2). Last evaluated 2021-12-02.

Conditions:
Huntington disease-like 1 (HDL1). Also called: HUNTINGTON-LIKE NEURODEGENERATIVE DISORDER 1; HUNTINGTON-LIKE NEURODEGENERATIVE DISORDER, AUTOSOMAL DOMINANT; PRION DISEASE, EARLY-ONSET, WITH PROMINENT PSYCHIATRIC FEATURES. Identifiers: Orphanet 157941, MedGen C1864112, MONDO:0011299, OMIM 603218.
Pigmentary pallidal degeneration (NBIA1). Also called: Pantothenate Kinase-Associated Neurodegeneration; Neuroaxonal dystrophy, late infantile; Hallervorden-Spatz disease; HARP SYNDROME; PKAN NEUROAXONAL DYSTROPHY, JUVENILE-ONSET; Neurodegeneration with brain iron accumulation 1. Identifiers: Orphanet 157850, MedGen C0018523, MONDO:0009319, OMIM 234200.

Submissions (2):

Labcorp Genetics (formerly Invitae), Labcorp
Classification: Uncertain significance for Huntington disease-like 1. Last evaluated: 2021-12-02. Review status: criteria provided, single submitter. Criteria: Invitae Variant Classification Sherloc (09022015). Collection method: clinical testing. Allele origin: germline.
Comment: A copy number gain of the genomic region encompassing the full coding sequence of the PRNP gene has been identified. The boundaries of this event are unknown as they extend beyond the assayed region for this gene and therefore may encompass additional genes. As the precise location of this event is unknown, it may be in tandem or it may be located elsewhere in the genome. This variant has not been reported in the literature in individuals affected with PRNP-related conditions. In summary, the available evidence is currently insufficient to determine the role of this variant in disease. Therefore, it has been classified as a Variant of Uncertain Significance.

Labcorp Genetics (formerly Invitae), Labcorp
Classification: Uncertain significance for Pigmentary pallidal degeneration. Last evaluated: 2021-12-02. Review status: criteria provided, single submitter. Criteria: Invitae Variant Classification Sherloc (09022015). Collection method: clinical testing. Allele origin: germline.
Comment: A copy number gain of the genomic region encompassing the full coding sequence of the PANK2 gene has been identified. The boundaries of this event are unknown as they extend beyond the assayed region for this gene and therefore may encompass additional genes. As the precise location of this event is unknown, it may be in tandem or it may be located elsewhere in the genome. This variant has not been reported in the literature in individuals affected with PANK2-related conditions. In summary, the available evidence is currently insufficient to determine the role of this variant in disease. Therefore, it has been classified as a Variant of Uncertain Significance.

NC_000020.10:g.(?_1959939)_(6760201_?)dup

Genes: AP5S1 (adaptor related protein complex 5 subunit sigma 1; plus strand), ATRN (attractin; plus strand), AVP (arginine vasopressin; minus strand), BMP2 (bone morphogenetic protein 2; plus strand), CDS2 (CDP-diacylglycerol synthase 2; plus strand) and 57 more. Cytogenetic location: 20p13-12.3.
Variant type: Duplication.
Identifiers: ClinVar variation 2422855 (VCV002422855.3).